The following is an entry in ClinVar:

ClinVar aggregate classification (germline): Uncertain significance. Review status: criteria provided, multiple submitters, no conflicts (2 of 4 stars). 3 submissions from 3 submitters: Uncertain significance (3). Last evaluated 2025-06-19.

Conditions:
RYR1-related disorder. Also called: RYR1-related disorders; RYR1-related condition. Identifiers: MedGen CN239331.
Malignant hyperthermia, susceptibility to, 1 (MHS1). Also called: Anesthesia related hyperthermia; Malignant hyperpyrexia; Fulminating hyperpyrexia; Pharmacogenic myopathy; Malignant hyperthermia suceptibility 1; RYR1-Related Malignant Hyperthermia Susceptibility. Identifiers: Orphanet 423, MedGen C2930980, MONDO:0007783, OMIM 145600.

Allele frequency attached by ClinVar (database versions not stated): gnomAD 0.00001; ESP Exome Variant Server 0.00008.
gnomAD v4.1: 3 of 1,614,020 alleles (0.00019%); highest among the groups gnomAD compares: African/African-American, 0.004%; no homozygotes.

Submissions (3):

Revvity Omics, Revvity
Classification: Uncertain significance. Last evaluated: 2025-06-19. Review status: criteria provided, single submitter. Criteria: ACMG Guidelines, 2015. Collection method: clinical testing. Allele origin: germline.

Labcorp Genetics (formerly Invitae), Labcorp
Classification: Uncertain significance for RYR1-related disorder. Last evaluated: 2025-01-23. Review status: criteria provided, single submitter. Criteria: Invitae Variant Classification Sherloc (09022015). Collection method: clinical testing. Allele origin: germline.
Comment: This sequence change replaces proline, which is neutral and non-polar, with leucine, which is neutral and non-polar, at codon 2172 of the RYR1 protein (p.Pro2172Leu). This variant is present in population databases (rs376564417, gnomAD 0.007%). This variant has not been reported in the literature in individuals affected with RYR1-related conditions. ClinVar contains an entry for this variant (Variation ID: 2435588). An algorithm developed to predict the effect of missense changes on protein structure and function outputs the following: PolyPhen-2: "Benign". The leucine amino acid residue is found in multiple mammalian species, which suggests that this missense change does not adversely affect protein function. In summary, the available evidence is currently insufficient to determine the role of this variant in disease. Therefore, it has been classified as a Variant of Uncertain Significance.

All of Us Research Program, National Institutes of Health
Classification: Uncertain significance for Malignant hyperthermia, susceptibility to, 1. Last evaluated: 2023-12-01. Review status: criteria provided, single submitter. Criteria: ACMG Guidelines, 2015. Collection method: clinical testing. Allele origin: germline. Inheritance: Autosomal dominant inheritance. Observed: 2 variant alleles, 2 heterozygotes.
Comment: This missense variant replaces proline with leucine at codon 2172 of the RYR1 protein. Computational prediction suggests that this variant may not impact protein structure and function (internally defined REVEL score threshold <= 0.5, PMID: 27666373). To our knowledge, functional studies have not been reported for this variant. This variant has not been reported in individuals affected with RYR1-related disorders in the literature. This variant has been identified in 1/249968 chromosomes in the general population by the Genome Aggregation Database (gnomAD). The available evidence is insufficient to determine the role of this variant in disease conclusively. Therefore, this variant is classified as a Variant of Uncertain Significance.

This study involves interpretation of variants in research participants for the purpose of population health screening. Participant phenotype was not available at the time of variant classification. Additional details can be found in publication PMID: 35346344, PMCID: PMC8962531

NM_000540.3(RYR1):c.6515C>T (p.Pro2172Leu)

Gene: RYR1 (ryanodine receptor 1; plus strand). Cytogenetic location: 19q13.2.
Variant type: single nucleotide variant.
Coding change: c.6515C>T on transcript NM_000540.3 (MANE Select); coding-DNA position 6515, C replaced by T.
Protein change: p.Pro2172Leu; replaces proline 2172 with leucine.
Molecular consequence: missense variant.
Genome position (GRCh38, 1-based): chr19:38,494,592, C>T. VCF-style: chr19-38494592-C-T. GRCh37 (hg19) VCF-style: chr19-38985232-C-T.
Other names: c.6515C>T, p.Pro2172Leu (NM_001042723.2); short protein forms P2172L.
Identifiers: ClinVar variation 2435588 (VCV002435588.7), dbSNP rs376564417, ClinGen allele CA068316.